The following is an entry in ClinVar:

ClinVar aggregate classification (germline): Uncertain significance. Review status: criteria provided, multiple submitters, no conflicts (2 of 4 stars). 2 submissions from 2 submitters: Uncertain significance (2). Last evaluated 2023-05-22.

Conditions:
Deficiency of alpha-mannosidase (MANSA). Also called: Mannosidosis, alpha-, types I and II; LYSOSOMAL ALPHA-D-MANNOSIDASE DEFICIENCY; Alpha-Mannosidosis. Identifiers: Orphanet 61, MedGen C0024748, MONDO:0009561, OMIM 248500.

Allele frequency attached by ClinVar (database versions not stated): ExAC 0.00002; gnomAD 0.00002 and 0.00003; gnomAD exomes 0.00003; TOPMed 0.00004.
gnomAD v4.1: 53 of 1,614,000 alleles (0.0033%); highest among the groups gnomAD compares: South Asian, 0.0077%; no homozygotes.

Submissions (2):

Women's Health and Genetics/Laboratory Corporation of America, LabCorp
Classification: Uncertain significance. Last evaluated: 2023-05-22. Review status: criteria provided, single submitter. Criteria: LabCorp Variant Classification Summary - May 2015. Collection method: clinical testing. Allele origin: germline.
Comment: Variant summary: MAN2B1 c.2945C>T (p.Pro982Leu) results in a non-conservative amino acid change in the encoded protein sequence. Four of five in-silico tools predict a benign effect of the variant on protein function. The variant allele was found at a frequency of 2.8e-05 in 251430 control chromosomes (gnomAD). The available data on variant occurrences in the general population are insufficient to allow any conclusion about variant significance. c.2945C>T has been reported in the literature in at-least one individual affected Autism spectrum disorder (examples: Koire_2021 and Turner_2019). These report(s) do not provide unequivocal conclusions about association of the variant with Alpha-Mannosidosis. To our knowledge, no experimental evidence demonstrating an impact on protein function has been reported. The following publications have been ascertained in the context of this evaluation (PMID: 34011629, 28714951, 27149842, 31785789). One clinical diagnostic laboratory has submitted clinical-significance assessments for this variant to ClinVar after 2014 and classified the variant as uncertain significance. Based on the evidence outlined above, the variant was classified as uncertain significance.

Labcorp Genetics (formerly Invitae), Labcorp
Classification: Uncertain significance for Deficiency of alpha-mannosidase. Last evaluated: 2021-12-15. Review status: criteria provided, single submitter. Criteria: Invitae Variant Classification Sherloc (09022015). Collection method: clinical testing. Allele origin: germline.
Comment: This sequence change replaces proline, which is neutral and non-polar, with leucine, which is neutral and non-polar, at codon 982 of the MAN2B1 protein (p.Pro982Leu). This variant is present in population databases (rs376856949, gnomAD 0.006%). This variant has not been reported in the literature in individuals affected with MAN2B1-related conditions. Algorithms developed to predict the effect of missense changes on protein structure and function (SIFT, PolyPhen-2, Align-GVGD) all suggest that this variant is likely to be tolerated. In summary, the available evidence is currently insufficient to determine the role of this variant in disease. Therefore, it has been classified as a Variant of Uncertain Significance.

Literature cited by the submitters: PubMed 27149842 (cited by Women's Health and Genetics/Laboratory Corporation of America, LabCorp); PubMed 31785789 (cited by Women's Health and Genetics/Laboratory Corporation of America, LabCorp); PubMed 34011629 (cited by Women's Health and Genetics/Laboratory Corporation of America, LabCorp); PubMed 28714951 (cited by Women's Health and Genetics/Laboratory Corporation of America, LabCorp).

NM_000528.4(MAN2B1):c.2945C>T (p.Pro982Leu)

Gene: MAN2B1 (mannosidase alpha class 2B member 1; minus strand). Cytogenetic location: 19p13.13.
Variant type: single nucleotide variant.
Coding change: c.2945C>T on transcript NM_000528.4 (MANE Select); coding-DNA position 2945, C replaced by T.
Protein change: p.Pro982Leu; replaces proline 982 with leucine.
Molecular consequence: missense variant.
Genome position (GRCh38, 1-based): chr19:12,646,711, G>A on the plus strand (C>T on the coding strand, the complement: MAN2B1 is on the minus strand). VCF-style: chr19-12646711-G-A. GRCh37 (hg19) VCF-style: chr19-12757525-G-A.
Other names: c.2942C>T, p.Pro981Leu (NM_001173498.2); c.2945C>T (NM_000528.3); short protein forms P981L, P982L.
Identifiers: ClinVar variation 1422126 (VCV001422126.3), dbSNP rs376856949, ClinGen allele CA9225857.